The following is an entry in ClinVar:

NM_032444.4(SLX4):c.*113C>T

Gene: SLX4 (SLX4 structure-specific endonuclease subunit; minus strand). Cytogenetic location: 16p13.3.
Variant type: single nucleotide variant.
Coding change: c.*113C>T on transcript NM_032444.4 (MANE Select); 113 bases downstream of the stop codon, C replaced by T.
Molecular consequence: 3 prime UTR variant.
Genome position (GRCh38, 1-based): chr16:3,582,229, G>A on the plus strand (C>T on the coding strand, the complement: SLX4 is on the minus strand). VCF-style: chr16-3582229-G-A. GRCh37 (hg19) VCF-style: chr16-3632230-G-A.
Other names: c.*113C>T (LRG_503t1).
Identifiers: ClinVar variation 319141 (VCV000319141.9), dbSNP rs76661336, ClinGen allele CA10647441.
Genomic context (GRCh38, chr16:3,582,229, plus strand): 5'-GAGGAAGCCCTGGATTGGGCTGTGGTCATCATCACAGCGCAGAGCTGATGTGGTCCCCAG[G>A]CCCAGAAATGCCTGTGGAGGCCTGACCCACGCTGGGTGTCCCAGGTCCTCCCTGCAAATG-3'

ClinVar aggregate classification (germline): Benign. Review status: criteria provided, multiple submitters, no conflicts (2 of 4 stars). 4 submissions from 4 submitters: Benign (3). 1 of the submissions does not count toward it. Last evaluated 2019-02-24.

Conditions:
Fanconi anemia complementation group P. Also called: SLX4-Related Fanconi Anemia. Identifiers: Orphanet 84, MedGen C3469542, MONDO:0013499, OMIM 613951.

Allele frequency attached by ClinVar (database versions not stated): 1000 Genomes Project 0.04133; 1000 Genomes Project 30x 0.04216; TOPMed 0.04649; gnomAD 0.04982 and 0.05017.
gnomAD v4.1: 49,034 of 840,902 alleles (5.8%); highest among the groups gnomAD compares: Admixed American, 6.6%; 1,658 homozygotes.

Submissions (4):

GeneDx
Classification: Benign. Last evaluated: 2019-02-24. Review status: criteria provided, single submitter. Criteria: GeneDx Variant Classification Process June 2021. Collection method: clinical testing. Allele origin: germline. Affected: yes.

Illumina Laboratory Services, Illumina
Classification: Benign for Fanconi anemia complementation group P. Last evaluated: 2018-01-12. Review status: criteria provided, single submitter. Criteria: ICSL Variant Classification Criteria 13 December 2019. Collection method: clinical testing. Allele origin: germline.
Comment: This variant was observed in the ICSL laboratory as part of a predisposition screen in an ostensibly healthy population. It had not been previously curated by ICSL or reported in the Human Gene Mutation Database (HGMD: prior to June 1st, 2018), and was therefore a candidate for classification through an automated scoring system. Utilizing variant allele frequency, disease prevalence and penetrance estimates, and inheritance mode, an automated score was calculated to assess if this variant is too frequent to cause the disease. Based on the score and internal cut-off values, a variant classified as benign is not then subjected to further curation. The score for this variant resulted in a classification of benign for this disease.

Breakthrough Genomics
Classification: Benign. Review status: criteria provided, single submitter. Criteria: ACMG Guidelines, 2015. Collection method: not provided. Allele origin: germline. Inheritance: Autosomal recessive inheritance. Affected: yes.

Leiden Open Variation Database
Classification: Likely benign. Last evaluated: 2012-08-31. Review status: no assertion criteria provided. Collection method: curation. Allele origin: germline. Affected: yes. Not counted in ClinVar's aggregate classification.
Comment: Curator: Arleen D. Auerbach. Submitter to LOVD: Janine Bakker.

Literature cited by the submitters: PubMed 22911665 (cited by Leiden Open Variation Database).